The following is an entry in ClinVar:

NM_024408.4(NOTCH2):c.6871G>A (p.Gly2291Arg)

Gene: NOTCH2 (notch receptor 2; minus strand). Cytogenetic location: 1p12.
Variant type: single nucleotide variant.
Coding change: c.6871G>A on transcript NM_024408.4 (MANE Select); coding-DNA position 6871, G replaced by A.
Protein change: p.Gly2291Arg; replaces glycine 2291 with arginine.
Molecular consequence: missense variant.
Genome position (GRCh38, 1-based): chr1:119,915,851, C>T on the plus strand (G>A on the coding strand, the complement: NOTCH2 is on the minus strand). VCF-style: chr1-119915851-C-T. GRCh37 (hg19) VCF-style: chr1-120458474-C-T.
Other names: short protein forms G2291R.
Identifiers: ClinVar variation 1487737 (VCV001487737.6), dbSNP rs2101142798, ClinGen allele CA341875182.

ClinVar aggregate classification (germline): Uncertain significance (1 of 4 stars; one submission).

Conditions:
Hajdu-Cheney syndrome (HJCYS). Also called: ACROOSTEOLYSIS WITH OSTEOPOROSIS AND CHANGES IN SKULL AND MANDIBLE; SERPENTINE FIBULA-POLYCYSTIC KIDNEY SYNDROME; Acroosteolysis dominant type. Identifiers: Orphanet 955, MedGen C0917715, MONDO:0007057, OMIM 102500.

Submission:

Labcorp Genetics (formerly Invitae), Labcorp
Classification: Uncertain significance for Hajdu-Cheney syndrome. Last evaluated: 2022-06-28. Review status: criteria provided, single submitter. Criteria: Invitae Variant Classification Sherloc (09022015). Collection method: clinical testing. Allele origin: germline.
Comment: This sequence change replaces glycine, which is neutral and non-polar, with arginine, which is basic and polar, at codon 2291 of the NOTCH2 protein (p.Gly2291Arg). In summary, the available evidence is currently insufficient to determine the role of this variant in disease. Therefore, it has been classified as a Variant of Uncertain Significance. Advanced modeling of protein sequence and biophysical properties (such as structural, functional, and spatial information, amino acid conservation, physicochemical variation, residue mobility, and thermodynamic stability) performed at Invitae indicates that this missense variant is not expected to disrupt NOTCH2 protein function. This variant has not been reported in the literature in individuals affected with NOTCH2-related conditions. This variant is not present in population databases (gnomAD no frequency).